The following is an entry in ClinVar:

NM_005557.4(KRT16):c.108C>G (p.Ala36=)

Gene: KRT16 (keratin 16; minus strand). Cytogenetic location: 17q21.2.
Variant type: single nucleotide variant.
Coding change: c.108C>G on transcript NM_005557.4 (MANE Select); coding-DNA position 108, C replaced by G.
Protein change: p.Ala36=; no amino-acid change (alanine 36 retained).
Molecular consequence: synonymous variant.
Genome position (GRCh38, 1-based): chr17:41,612,581, G>C on the plus strand (C>G on the coding strand, the complement: KRT16 is on the minus strand). VCF-style: chr17-41612581-G-C. GRCh37 (hg19) VCF-style: chr17-39768833-G-C.
Identifiers: ClinVar variation 2139740 (VCV002139740.5), dbSNP rs774260784, ClinGen allele CA8563352.

ClinVar aggregate classification (germline): Likely benign. Review status: criteria provided, multiple submitters, no conflicts (2 of 4 stars). 2 submissions from 2 submitters: Likely benign (2). Last evaluated 2026-07-01.

Allele frequency attached by ClinVar (database versions not stated): ExAC 0.00020.

Submissions (2):

CeGaT Center for Human Genetics Tuebingen
Classification: Likely benign. Last evaluated: 2026-07-01. Review status: criteria provided, single submitter. Criteria: CeGaT Center For Human Genetics Tuebingen Variant Classification Criteria Version 2. Collection method: clinical testing. Allele origin: germline. Affected: yes. Observed: 1 variant allele.
Comment: KRT16: BP4, BP7

Labcorp Genetics (formerly Invitae), Labcorp
Classification: Likely benign. Last evaluated: 2022-11-15. Review status: criteria provided, single submitter. Criteria: Invitae Variant Classification Sherloc (09022015). Collection method: clinical testing. Allele origin: germline.